The following is an entry in ClinVar:

NM_006445.4(PRPF8):c.2357_2365del (p.Ala786_Gln788del)

Gene: PRPF8 (pre-mRNA processing factor 8; minus strand). Cytogenetic location: 17p13.3.
Variant type: Deletion.
Coding change: c.2357_2365del on transcript NM_006445.4 (MANE Select); coding-DNA positions 2357 to 2365, 9 bases deleted (CAGAACAGG; older notation c.2357_2365delCAGAACAGG).
Protein change: p.Ala786_Gln788del.
Genome position (GRCh38, 1-based): chr17:1,676,528-1,676,536, CCTGTTCTG deleted on the plus strand (CAGAACAGG on the coding strand, the reverse complement: PRPF8 is on the minus strand); deleting any 9 consecutive bases within chr17:1,676,528-1,676,539 gives the same sequence; the c. name uses the placement nearest the transcript's 3' end. VCF-style (leftmost placement, unchanged base first): chr17-1676527-TCCTGTTCTG-T. GRCh37 (hg19) VCF-style: chr17-1579821-TCCTGTTCTG-T.
Identifiers: ClinVar variation 3359321 (VCV003359321.1).
Genomic context (GRCh38, chr17:1,676,527, plus strand): 5'-CCCACCACTCACACCCAGCCCAGCCTACTCTGCCCAACCTTCAGGTAGTTGTGCTGCCGC[TCCTGTTCTG>T]CCTTCAGATAGAGCCGGGTGAGGCGGCCCAGATTCTTTTTACAAACAGTCTTGTCCACAG-3'

ClinVar aggregate classification (germline): Uncertain significance (1 of 4 stars; one submission).

Submission:

GeneDx
Classification: Uncertain significance. Last evaluated: 2023-05-31. Review status: criteria provided, single submitter. Criteria: GeneDx Variant Classification Process June 2021. Collection method: clinical testing. Allele origin: germline. Affected: yes.
Comment: Not observed at significant frequency in large population cohorts (gnomAD); In-frame deletion of 3 amino acids in a non-repeat region; In silico analysis supports that this variant does not alter protein structure/function; Has not been previously published as pathogenic or benign to our knowledge